The following is an entry in ClinVar:

NM_000744.7(CHRNA4):c.731T>C (p.Leu244Pro)

Gene: CHRNA4 (cholinergic receptor nicotinic alpha 4 subunit; minus strand). Cytogenetic location: 20q13.33.
Variant type: single nucleotide variant.
Coding change: c.731T>C on transcript NM_000744.7 (MANE Select); coding-DNA position 731, T replaced by C.
Protein change: p.Leu244Pro; replaces leucine 244 with proline.
Molecular consequence: missense variant. On other transcripts: non-coding transcript variant (1).
Genome position (GRCh38, 1-based): chr20:63,350,680, A>G on the plus strand (T>C on the coding strand, the complement: CHRNA4 is on the minus strand). VCF-style: chr20-63350680-A-G. GRCh37 (hg19) VCF-style: chr20-61982032-A-G.
Other names: c.203T>C, p.Leu68Pro (NM_001256573.2); short protein forms L244P, L68P.
Identifiers: ClinVar variation 1306500 (VCV001306500.9), dbSNP rs2123472530, ClinGen allele CA409636968.

ClinVar aggregate classification (germline): Uncertain significance. Review status: criteria provided, multiple submitters, no conflicts (2 of 4 stars). 2 submissions from 2 submitters: Uncertain significance (2). Last evaluated 2021-04-29.

Conditions:
Familial sleep-related hypermotor epilepsy. Also called: Autosomal Dominant Sleep-Related Hypermotor (Hyperkinetic) Epilepsy. Identifiers: Orphanet 98784, MedGen C3696898, MONDO:0000030.

Allele frequency attached by ClinVar (database versions not stated): gnomAD exomes below 0.00001.

Submissions (2):

Labcorp Genetics (formerly Invitae), Labcorp
Classification: Uncertain significance. Last evaluated: 2021-04-29. Review status: criteria provided, single submitter. Criteria: Invitae Variant Classification Sherloc (09022015). Collection method: clinical testing. Allele origin: germline.
Comment: Algorithms developed to predict the effect of missense changes on protein structure and function are either unavailable or do not agree on the potential impact of this missense change (SIFT: "Deleterious"; PolyPhen-2: "Probably Damaging"; Align-GVGD: "Class C0"). In summary, the available evidence is currently insufficient to determine the role of this variant in disease. Therefore, it has been classified as a Variant of Uncertain Significance. This variant has been observed in one or more individuals who were not affected with CHRNA4-related conditions (Invitae). This variant is not present in population databases (ExAC no frequency). This sequence change replaces leucine with proline at codon 244 of the CHRNA4 protein (p.Leu244Pro). The leucine residue is highly conserved and there is a moderate physicochemical difference between leucine and proline.

GeneDx
Classification: Uncertain significance. Last evaluated: 2019-06-21. Review status: criteria provided, single submitter. Criteria: GeneDx Variant Classification Process June 2021. Collection method: clinical testing. Allele origin: germline. Affected: yes.
Comment: Not observed in large population cohorts (Lek et al., 2016); In silico analysis, which includes protein predictors and evolutionary conservation, supports a deleterious effect; Has not been previously published as pathogenic or benign to our knowledge